The following is an entry in ClinVar:

ClinVar aggregate classification (germline): Uncertain significance (1 of 4 stars; one submission).

Conditions:
Retinitis pigmentosa 87 with choroidal involvement. Identifiers: MedGen C5231465, MONDO:0032873, OMIM 618697.

Submission:

Institute of Human Genetics, University of Goettingen
Classification: Uncertain significance for Retinitis pigmentosa 87 with choroidal involvement. Last evaluated: 2025-01-15. Review status: criteria provided, single submitter. Criteria: ACMG Guidelines, 2015. Collection method: clinical testing. Allele origin: germline. Inheritance: Autosomal dominant inheritance. Affected: yes.
Comment: The NM_000329.3:(RPE65):​c.1354G>T​(p.Val452Phe) variant causes a missense change. The variant was absent in control chromosomes in GnomAD project. In-silico tool predicts a pathogenic outcome for this variant. No clinical diagnostic laboratories have submitted clinical-significance assessments for this variant to ClinVar. Another variant affecting the same amino acid position, but resulting in a different missense (i.e. V452G) has been classified as Likely pathogenic (Hanany et al., Proc Natl Acad Sci U S A. 2020 Feb 4;117(5):2710-2716.). ACMG criteria used for classification: PM2_SUP, PM5, PP3

Literature cited by the submitters: PubMed 31964843.

NM_000329.3(RPE65):c.1354G>T (p.Val452Phe)

Gene: RPE65 (retinoid isomerohydrolase RPE65; minus strand). Cytogenetic location: 1p31.3.
Variant type: single nucleotide variant.
Coding change: c.1354G>T on transcript NM_000329.3 (MANE Select); coding-DNA position 1354, G replaced by T.
Protein change: p.Val452Phe; replaces valine 452 with phenylalanine.
Molecular consequence: missense variant.
Genome position (GRCh38, 1-based): chr1:68,431,161, C>A on the plus strand (G>T on the coding strand, the complement: RPE65 is on the minus strand). VCF-style: chr1-68431161-C-A. GRCh37 (hg19) VCF-style: chr1-68896844-C-A.
Other names: c.1246G>T, p.Val416Phe (NM_001406853.1); c.1078G>T, p.Val360Phe (NM_001406856.1, NM_001406857.1); short protein forms V360F, V416F, V452F.
Identifiers: ClinVar variation 3572959 (VCV003572959.2).
Genomic context (GRCh38, chr1:68,431,161, plus strand): 5'-AGATGGGTTCTGATGGGTATGAATCAGGCTCTTGCCAAACCCAAGTTTCTTTAGTTTTGA[C>A]ATTCAGCTTACAGAGCTGTTTGTGAGAAAGAAAAATCAATCAAGCAATCAGTCAATATGC-3'
Protein context (NP_000320.1, residues 442-462): FVPDRLCKLN[Val452Phe]KTKETWVWQE